The following is an entry in ClinVar:

ClinVar aggregate classification (germline): Uncertain significance (1 of 4 stars; one submission).

Conditions:
Holoprosencephaly 9 (HPE9). Also called: HOLOPROSENCEPHALY WITH MICROPHTHALMIA AND FIRST BRANCHIAL ARCH ANOMALIES; PITUITARY ANOMALIES WITH HOLOPROSENCEPHALY-LIKE FEATURES. Identifiers: Orphanet 2162, MedGen C1835819, MONDO:0012563, OMIM 610829.
Postaxial polydactyly-anterior pituitary anomalies-facial dysmorphism syndrome. Also called: Culler-Jones syndrome. Identifiers: Orphanet 420584, MedGen C4014479, MONDO:0014369, OMIM 615849.

gnomAD v4.1: 1 of 1,611,546 alleles (0.000062%); highest among the groups gnomAD compares: Non-Finnish European, 0.000085%; no homozygotes.

Submission:

Labcorp Genetics (formerly Invitae), Labcorp
Classification: Uncertain significance for Postaxial polydactyly-anterior pituitary anomalies-facial dysmorphism syndrome; Holoprosencephaly 9. Last evaluated: 2025-11-01. Review status: criteria provided, single submitter. Criteria: Invitae Variant Classification Sherloc (09022015). Collection method: clinical testing. Allele origin: germline.
Comment: This sequence change replaces serine, which is neutral and polar, with asparagine, which is neutral and polar, at codon 1342 of the GLI2 protein (p.Ser1342Asn). This variant is not present in population databases (gnomAD no frequency). This variant has not been reported in the literature in individuals affected with GLI2-related conditions. Invitae Evidence Modeling of protein sequence and biophysical properties (such as structural, functional, and spatial information, amino acid conservation, physicochemical variation, residue mobility, and thermodynamic stability) indicates that this missense variant is not expected to disrupt GLI2 protein function with a negative predictive value of 80%. In summary, the available evidence is currently insufficient to determine the role of this variant in disease. Therefore, it has been classified as a Variant of Uncertain Significance.

NM_001374353.1(GLI2):c.3974G>A (p.Ser1325Asn)

Gene: GLI2 (GLI family zinc finger 2; plus strand). Cytogenetic location: 2q14.2.
Variant type: single nucleotide variant.
Coding change: c.3974G>A on transcript NM_001374353.1 (MANE Select); coding-DNA position 3974, G replaced by A.
Protein change: p.Ser1325Asn; replaces serine 1325 with asparagine.
Molecular consequence: missense variant.
Genome position (GRCh38, 1-based): chr2:120,989,939, G>A. VCF-style: chr2-120989939-G-A. GRCh37 (hg19) VCF-style: chr2-121747515-G-A.
Other names: c.4025G>A, p.Ser1342Asn (NM_001371271.1, NM_005270.5); c.3599G>A, p.Ser1200Asn (NM_001374354.1); short protein forms S1200N, S1342N, S1325N.
Identifiers: ClinVar variation 4783247 (VCV004783247.1).